The following is an entry in ClinVar:

ClinVar aggregate classification (germline): Uncertain significance (1 of 4 stars; one submission).

Conditions:
Hypophosphatasia. Also called: Phosphoethanol-aminuria. Identifiers: Orphanet 436, MedGen C0020630, MeSH D007014, MONDO:0018570.

Submission:

Genomenon, Inc
Classification: Uncertain significance for Hypophosphatasia. Last evaluated: 2025-08-29. Review status: criteria provided, single submitter. Criteria: Genomenon Sequence Variant Interpretation Standards. Collection method: curation. Allele origin: germline. Affected: yes.
Comment: ALPL c.476A>T is a missense variant that changes the amino acid at residue 159 from Lysine to Isoleucine. This variant has been observed in a proband affected with hypophosphatasia (PMID:33255631). It is absent or not present at a significant frequency in gnomAD. In silico models agree that this variant is possibly or probably damaging. In conclusion, we classify ALPL p.Lys159Ile (c.476A>T) as a variant of unknown significance.

Literature cited by the submitters: PubMed 33255631.

NM_000478.6(ALPL):c.476A>T (p.Lys159Ile)

Gene: ALPL (alkaline phosphatase, biomineralization associated; plus strand). Cytogenetic location: 1p36.12.
Variant type: single nucleotide variant.
Coding change: c.476A>T on transcript NM_000478.6 (MANE Select); coding-DNA position 476, A replaced by T.
Protein change: p.Lys159Ile; replaces lysine 159 with isoleucine.
Molecular consequence: missense variant.
Genome position (GRCh38, 1-based): chr1:21,564,044, A>T. VCF-style: chr1-21564044-A-T. GRCh37 (hg19) VCF-style: chr1-21890537-A-T.
Other names: c.311A>T, p.Lys104Ile (NM_001127501.4); c.245A>T, p.Lys82Ile (NM_001177520.3); c.476A>T, p.Lys159Ile (NM_001369803.2, NM_001369804.2, NM_001369805.2); short protein forms K104I, K159I, K82I.
Identifiers: ClinVar variation 4086814 (VCV004086814.1).